The following is an entry in ClinVar:

NM_016373.4(WWOX):c.962T>C (p.Val321Ala)

Gene: WWOX (WW domain containing oxidoreductase; plus strand). Cytogenetic location: 16q23.1.
Variant type: single nucleotide variant.
Coding change: c.962T>C on transcript NM_016373.4 (MANE Select); coding-DNA position 962, T replaced by C.
Protein change: p.Val321Ala; replaces valine 321 with alanine.
Molecular consequence: missense variant.
Genome position (GRCh38, 1-based): chr16:78,432,658, T>C. VCF-style: chr16-78432658-T-C. GRCh37 (hg19) VCF-style: chr16-78466555-T-C.
Other names: c.623T>C, p.Val208Ala (NM_001291997.2); short protein forms V321A, V208A.
Identifiers: ClinVar variation 1376955 (VCV001376955.9), dbSNP rs774783221, ClinGen allele CA8183579.
Genomic context (GRCh38, chr16:78,432,658, plus strand): 5'-TCCTCTTCTCCAACGAGCTGCACCGTCGCCTCTCCCCACGCGGGGTCACGTCGAACGCAG[T>C]GCATCCTGGAAATATGATGTACTCCAACATTCATCGCAGCTGGTGGGTGTACACACTGCT-3'
Protein context (NP_057457.1, residues 311-331): LSPRGVTSNA[Val321Ala]HPGNMMYSNI

ClinVar aggregate classification (germline): Uncertain significance. Review status: criteria provided, multiple submitters, no conflicts (2 of 4 stars). 2 submissions from 2 submitters: Uncertain significance (2). Last evaluated 2022-07-19.

Conditions:
Autosomal recessive spinocerebellar ataxia 12. Also called: SPINOCEREBELLAR ATAXIA WITH MENTAL RETARDATION AND EPILEPSY. Identifiers: Orphanet 284282, MedGen C3280452, MONDO:0013687, OMIM 614322.
Developmental and epileptic encephalopathy, 1 (DEE1). Also called: Epileptic encephalopathy, early infantile, 1; Tonic spasms with clustering, arrest of psychomotor development and hypsarrhythmia on EEG; X-Linked Infantile Spasm Syndrome; X-linked infantile spasms; West's syndrome; OHTAHARA SYNDROME, X-LINKED. Identifiers: MedGen C3463992, MONDO:0010632, OMIM 308350. Disease mechanism: loss of function.

Allele frequency attached by ClinVar (database versions not stated): ExAC 0.00002; gnomAD 0.00002; gnomAD exomes 0.00002; TOPMed 0.00002.
gnomAD v4.1: 27 of 1,614,102 alleles (0.0017%); highest among the groups gnomAD compares: Non-Finnish European, 0.0022%; no homozygotes.

Submissions (2):

Labcorp Genetics (formerly Invitae), Labcorp
Classification: Uncertain significance for Developmental and epileptic encephalopathy, 1; Autosomal recessive spinocerebellar ataxia 12. Last evaluated: 2022-07-19. Review status: criteria provided, single submitter. Criteria: Invitae Variant Classification Sherloc (09022015). Collection method: clinical testing. Allele origin: germline.
Comment: This sequence change replaces valine with alanine at codon 321 of the WWOX protein (p.Val321Ala). The valine residue is moderately conserved and there is a small physicochemical difference between valine and alanine. This variant is present in population databases (rs774783221, gnomAD 0.007%). This variant has not been reported in the literature in individuals affected with WWOX-related conditions. ClinVar contains an entry for this variant (Variation ID: 1376955). Algorithms developed to predict the effect of missense changes on protein structure and function are either unavailable or do not agree on the potential impact of this missense change (SIFT: "Not Available"; PolyPhen-2: "Benign"; Align-GVGD: "Not Available"). In summary, the available evidence is currently insufficient to determine the role of this variant in disease. Therefore, it has been classified as a Variant of Uncertain Significance.

Blueprint Genetics
Classification: Uncertain significance. Last evaluated: 2022-06-13. Review status: criteria provided, single submitter. Criteria: ACMG Guidelines, 2015. Collection method: clinical testing. Allele origin: germline.